The following is an entry in ClinVar:

NM_000069.3(CACNA1S):c.2740T>A (p.Leu914Met)

Gene: CACNA1S (calcium voltage-gated channel subunit alpha1 S; minus strand). Cytogenetic location: 1q32.1.
Variant type: single nucleotide variant.
Coding change: c.2740T>A on transcript NM_000069.3 (MANE Select); coding-DNA position 2740, T replaced by A.
Protein change: p.Leu914Met; replaces leucine 914 with methionine.
Molecular consequence: missense variant.
Genome position (GRCh38, 1-based): chr1:201,066,234, A>T on the plus strand (T>A on the coding strand, the complement: CACNA1S is on the minus strand). VCF-style: chr1-201066234-A-T. GRCh37 (hg19) VCF-style: chr1-201035362-A-T.
Other names: short protein forms L914M.
Identifiers: ClinVar variation 1719195 (VCV001719195.6), dbSNP rs2464520680, ClinGen allele CA344102123.

ClinVar aggregate classification (germline): Uncertain significance (1 of 4 stars; one submission).

Conditions:
Hypokalemic periodic paralysis, type 1. Also called: HypoPP; Hypokalemic Periodic Paralysis Type 1 (AD). Identifiers: Orphanet 681, MedGen C3714580, MONDO:0042979, OMIM 170400.
Malignant hyperthermia, susceptibility to, 5 (MHS5). Also called: CACNA1S-Related Malignant Hyperthermia Susceptibility. Identifiers: Orphanet 423, MedGen C1866077, MONDO:0011163, OMIM 601887.

Submission:

Labcorp Genetics (formerly Invitae), Labcorp
Classification: Uncertain significance for Hypokalemic periodic paralysis, type 1; Malignant hyperthermia, susceptibility to, 5. Last evaluated: 2022-09-10. Review status: criteria provided, single submitter. Criteria: Invitae Variant Classification Sherloc (09022015). Collection method: clinical testing. Allele origin: germline.
Comment: In summary, the available evidence is currently insufficient to determine the role of this variant in disease. Therefore, it has been classified as a Variant of Uncertain Significance. Advanced modeling of protein sequence and biophysical properties (such as structural, functional, and spatial information, amino acid conservation, physicochemical variation, residue mobility, and thermodynamic stability) performed at Invitae indicates that this missense variant is expected to disrupt CACNA1S protein function. This variant has not been reported in the literature in individuals affected with CACNA1S-related conditions. This variant is not present in population databases (gnomAD no frequency). This sequence change replaces leucine, which is neutral and non-polar, with methionine, which is neutral and non-polar, at codon 914 of the CACNA1S protein (p.Leu914Met).